The following is an entry in ClinVar:

ClinVar aggregate classification (germline): Conflicting classifications of pathogenicity. Review status: criteria provided, conflicting classifications (1 of 4 stars). 2 submissions from 2 submitters: Uncertain significance (1); Likely benign (1). Last evaluated 2026-01-26.

Allele frequency attached by ClinVar (database versions not stated): gnomAD exomes 0.00012; ExAC 0.00015; 1000 Genomes Project 0.00020; ESP Exome Variant Server 0.00023; 1000 Genomes Project 30x 0.00031.
gnomAD v4.1: 174 of 1,613,866 alleles (0.011%); highest among the groups gnomAD compares: Middle Eastern, 0.082%; 1 homozygote.

Submissions (2):

Labcorp Genetics (formerly Invitae), Labcorp
Classification: Likely benign. Last evaluated: 2026-01-26. Review status: criteria provided, single submitter. Criteria: Invitae Variant Classification Sherloc (09022015). Collection method: clinical testing. Allele origin: germline.

GeneDx
Classification: Uncertain significance. Last evaluated: 2025-04-10. Review status: criteria provided, single submitter. Criteria: GeneDx Variant Classification Process June 2021. Collection method: clinical testing. Allele origin: germline. Affected: yes.
Comment: In silico analysis indicates that this missense variant does not alter protein structure/function; Has not been previously published as pathogenic or benign to our knowledge

NM_032888.4(COL27A1):c.3064G>A (p.Val1022Met)

Gene: COL27A1 (collagen type XXVII alpha 1 chain; plus strand). Cytogenetic location: 9q32.
Variant type: single nucleotide variant.
Coding change: c.3064G>A on transcript NM_032888.4 (MANE Select); coding-DNA position 3064, G replaced by A.
Protein change: p.Val1022Met; replaces valine 1022 with methionine.
Molecular consequence: missense variant.
Genome position (GRCh38, 1-based): chr9:114,252,623, G>A. VCF-style: chr9-114252623-G-A. GRCh37 (hg19) VCF-style: chr9-117014903-G-A.
Other names: c.3064G>A (NM_032888.2); short protein forms V1022M.
Identifiers: ClinVar variation 1586526 (VCV001586526.9), dbSNP rs141446597, ClinGen allele CA5202244.